The following is an entry in ClinVar:

NM_000260.4(MYO7A):c.2287_2290del (p.Asn763fs)

Gene: MYO7A (myosin VIIA; plus strand). Cytogenetic location: 11q13.5.
Variant type: Deletion.
Coding change: c.2287_2290del on transcript NM_000260.4 (MANE Select); coding-DNA positions 2287 to 2290, 4 bases deleted (AACT; older notation c.2287_2290delAACT).
Protein change: p.Asn763fs; shifts the reading frame from asparagine 763.
Molecular consequence: frameshift variant.
Genome position (GRCh38, 1-based): chr11:77,179,049-77,179,052, AACT deleted; deleting any 4 consecutive bases within chr11:77,179,047-77,179,052 gives the same sequence; the c. name uses the placement nearest the transcript's 3' end. VCF-style (leftmost placement, unchanged base first): chr11-77179046-TCTAA-T. GRCh37 (hg19) VCF-style: chr11-76890092-TCTAA-T.
Other names: c.2287_2290del, p.Asn763fs (NM_001127180.2); c.2254_2257del, p.Asn752fs (NM_001369365.1); short protein forms N752fs, N763fs.
Identifiers: ClinVar variation 3601463 (VCV003601463.1).

ClinVar aggregate classification (germline): Pathogenic (1 of 4 stars; one submission).

Conditions:
Autosomal recessive nonsyndromic hearing loss 2. Also called: NEUROSENSORY NONSYNDROMIC RECESSIVE DEAFNESS 2; DEAFNESS, AUTOSOMAL RECESSIVE 2. Identifiers: Orphanet 90636, MedGen C1838701, MONDO:0010807, OMIM 600060.

Submission:

Institute of Rare Diseases, West China Hospital, Sichuan University
Classification: Pathogenic for Autosomal recessive nonsyndromic hearing loss 2. Last evaluated: 2025-01-09. Review status: criteria provided, single submitter. Criteria: ClinGen HL ACMG Specifications v1. Collection method: research. Allele origin: germline. Affected: yes.
Comment: PVS1;PM3_Supporting;PM2_Supporting